The following is an entry in ClinVar:

ClinVar aggregate classification (germline): Uncertain significance (1 of 4 stars; one submission).

Conditions:
RAF1-related disorder. Also called: RAF1-related condition; RAF1-related disorders.

Submission:

PreventionGenetics, part of Exact Sciences
Classification: Uncertain significance for RAF1-related condition. Last evaluated: 2022-09-06. Review status: criteria provided, single submitter. Criteria: ACMG Guidelines, 2015. Collection method: clinical testing. Allele origin: germline.
Comment: The RAF1 c.1309G>C variant is predicted to result in the amino acid substitution p.Glu437Gln. To our knowledge, this variant has not been reported in the literature or in a large population database, indicating this variant is rare. At this time, the clinical significance of this variant is uncertain due to the absence of conclusive functional and genetic evidence.

NM_002880.4(RAF1):c.1309G>C (p.Glu437Gln)

Gene: RAF1 (Raf-1 proto-oncogene, serine/threonine kinase; minus strand). Cytogenetic location: 3p25.2.
Variant type: single nucleotide variant.
Coding change: c.1309G>C on transcript NM_002880.4 (MANE Select); coding-DNA position 1309, G replaced by C.
Protein change: p.Glu437Gln; replaces glutamic acid 437 with glutamine.
Molecular consequence: missense variant. On other transcripts: non-coding transcript variant (3).
Genome position (GRCh38, 1-based): chr3:12,590,859, C>G on the plus strand (G>C on the coding strand, the complement: RAF1 is on the minus strand). VCF-style: chr3-12590859-C-G. GRCh37 (hg19) VCF-style: chr3-12632358-C-G.
Other names: c.1369G>C, p.Glu457Gln (NM_001354689.3); c.1309G>C, p.Glu437Gln (NM_001354690.3); c.1066G>C, p.Glu356Gln (NM_001354691.3, NM_001354692.3); c.1210G>C, p.Glu404Gln (NM_001354693.3); c.1126G>C, p.Glu376Gln (NM_001354694.3); c.967G>C, p.Glu323Gln (NM_001354695.3); short protein forms E323Q, E356Q, E376Q, E404Q, E437Q, E457Q.
Identifiers: ClinVar variation 2636701 (VCV002636701.1), dbSNP rs764496629, ClinGen allele CA351501955.
Genomic context (GRCh38, chr3:12,590,859, plus strand): 5'-CCATTCCCTGAGCCGTCTGCCGGGCAATGTCAATTAGCTGGAACATCTGAAACTTGGTCT[C>G]CTGGACATGCAGGTGTTTGTAGAGGCTGCTGCCCTCGCACCACTGGGTCACAATTGCCAG-3'
Protein context (NP_002871.1, residues 427-447): SSLYKHLHVQ[Glu437Gln]TKFQMFQLID